The following is an entry in ClinVar:

NM_001130987.2(DYSF):c.4462C>T (p.Gln1488Ter)

Gene: DYSF (dysferlin; plus strand). Cytogenetic location: 2p13.2.
Variant type: single nucleotide variant.
Coding change: c.4462C>T on transcript NM_001130987.2 (MANE Select); coding-DNA position 4462, C replaced by T.
Protein change: p.Gln1488Ter; replaces glutamine 1488 with a stop codon.
Molecular consequence: nonsense.
Genome position (GRCh38, 1-based): chr2:71,613,408, C>T. VCF-style: chr2-71613408-C-T. GRCh37 (hg19) VCF-style: chr2-71840538-C-T.
Other names: NM_001130987.2(DYSF):c.4462C>T; p.Gln1488Ter; c.4411C>T, p.Gln1471Ter (NM_001130455.2, NM_001130983.2); c.4366C>T, p.Gln1456Ter (NM_001130976.2, NM_001130977.2); c.4408C>T, p.Gln1470Ter (NM_001130978.2, NM_003494.4); c.4501C>T, p.Gln1501Ter (NM_001130979.2); c.4459C>T, p.Gln1487Ter (NM_001130980.2, NM_001130981.2); c.4504C>T, p.Gln1502Ter (NM_001130982.2); and 2 more; short protein forms Q1488*, Q1470*, Q1456*, Q1457*, Q1501*, Q1502*, Q1487*, Q1471*.
Identifiers: ClinVar variation 290284 (VCV000290284.54), dbSNP rs886044411, ClinGen allele CA10606721.

ClinVar aggregate classification (germline): Pathogenic. Review status: reviewed by expert panel (3 of 4 stars). 7 submissions from 7 submitters: Pathogenic (1). 6 of the submissions do not count toward it. Last evaluated 2025-10-06.

Conditions:
Autosomal recessive limb-girdle muscular dystrophy. Identifiers: Orphanet 102015, MedGen C2931907, MONDO:0015152.
Autosomal recessive limb-girdle muscular dystrophy type 2B (LGMDR2). Also called: MUSCULAR DYSTROPHY, LIMB-GIRDLE, AUTOSOMAL RECESSIVE 2; Limb-girdle muscular dystrophy, type 2B; Limb-Girdle Muscular Dystrophy Type 2B (LGMD2B); MUSCULAR DYSTROPHY, LIMB-GIRDLE, TYPE 3. Identifiers: Orphanet 268, MedGen C1850889, MONDO:0009676, OMIM 253601.
Miyoshi muscular dystrophy 1 (MMD1). Identifiers: Orphanet 45448, MedGen C4551973, MONDO:0024545, OMIM 254130.
Distal myopathy with anterior tibial onset. Identifiers: Orphanet 178400, MedGen C1847532, MONDO:0011721, OMIM 606768.
Neuromuscular disease caused by qualitative or quantitative defects of dysferlin. Also called: Dysferlinopathy; Qualitative or quantitative defects of dysferlin. Identifiers: Orphanet 207073, MedGen C2931687, MONDO:0016145.

Allele frequency attached by ClinVar (database versions not stated): gnomAD exomes below 0.00001 and 0.00001; gnomAD 0.00001.
gnomAD v4.1: 4 of 1,612,154 alleles (0.00025%); highest among the groups gnomAD compares: East Asian, 0.0022%; no homozygotes.

Submissions (7):

ClinGen Limb Girdle Muscular Dystrophy Variant Curation Expert Panel, ClinGen
Classification: Pathogenic for Autosomal recessive limb-girdle muscular dystrophy. Last evaluated: 2025-10-06. Review status: reviewed by expert panel. Criteria: ClinGen LGMD VCEP ACMG Specifications DYSF V2.0.0. Collection method: curation. Allele origin: germline. Inheritance: Autosomal recessive inheritance.
Comment: The NM_003494.4: c.4408C>T p.(Gln1470Ter) variant in DYSF, which is also known as NM_001130987.2: c.4462C>T p.(Gln1488Ter), is a nonsense variant predicted to cause a premature stop codon in biologically relevant exon 40/55, leading to nonsense mediated decay in a gene in which loss of function is an established disease mechanism (PVS1). This variant has been identified in two individuals with either suspected or diagnosed LGMD (PMID: 27602406, 33610434, 36983702) in unknown phase with a pathogenic variant (NM_003494.4: c.1517C>G p.(Ser506Ter), 0.5 pts; NM_003494.4: c.6124C>T p.(Arg2042Cys), 0.5 pts) (PM3). Both individuals had absent dysferlin protein expression as well as progressive muscle weakness or clinical diagnosis of LGMD, which is highly specific for DYSF-related LGMD (PMID: 33610434, 36983702; PP4_Strong). The highest population allele frequency for this variant in gnomAD v4.1.0 is 0.00002230 (1/44840 East Asian chromosomes), which is less than the LGMD VCEP threshold for PM2_Supporting (0.0001), meeting this criterion (PM2_Supporting). In summary, this variant meets the criteria to be classified as Pathogenic for autosomal recessive limb-girdle muscular dystrophy based on the ACMG/AMP criteria applied, as specified by the ClinGen LGMD VCEP (LGMD VCEP specifications version 2.0.0; 10/06/2025): PVS1, PM3, PM2_Supporting, PP4_Strong.

Fulgent Genetics
Classification: Pathogenic for Autosomal recessive limb-girdle muscular dystrophy type 2B; Miyoshi muscular dystrophy 1; Distal myopathy with anterior tibial onset. Last evaluated: 2024-04-02. Review status: criteria provided, single submitter. Criteria: ACMG Guidelines, 2015. Collection method: clinical testing. Allele origin: germline. Not counted in ClinVar's aggregate classification.

Baylor Genetics
Classification: Pathogenic for Miyoshi muscular dystrophy 1. Last evaluated: 2023-07-06. Review status: criteria provided, single submitter. Criteria: ACMG Guidelines, 2015. Collection method: clinical testing. Allele origin: unknown. Not counted in ClinVar's aggregate classification.

Labcorp Genetics (formerly Invitae), Labcorp
Classification: Pathogenic for Neuromuscular disease caused by qualitative or quantitative defects of dysferlin. Last evaluated: 2023-06-28. Review status: criteria provided, single submitter. Criteria: Invitae Variant Classification Sherloc (09022015). Collection method: clinical testing. Allele origin: germline. Not counted in ClinVar's aggregate classification.
Comment: This sequence change creates a premature translational stop signal (p.Gln1470*) in the DYSF gene. It is expected to result in an absent or disrupted protein product. Loss-of-function variants in DYSF are known to be pathogenic (PMID: 17698709, 20301480). For these reasons, this variant has been classified as Pathogenic. ClinVar contains an entry for this variant (Variation ID: 290284). This premature translational stop signal has been observed in individual(s) with DYSF-related conditions (PMID: 33610434). This variant is present in population databases (no rsID available, gnomAD 0.006%).

Eurofins Ntd Llc (ga)
Classification: Pathogenic. Last evaluated: 2018-01-12. Review status: criteria provided, single submitter. Criteria: EGL Classification Definitions 2015. Collection method: clinical testing. Allele origin: germline. Observed: 2 variant alleles, 2 heterozygotes. Not counted in ClinVar's aggregate classification.

CeGaT Center for Human Genetics Tuebingen
Classification: Likely pathogenic. Last evaluated: 2016-05-01. Review status: criteria provided, single submitter. Criteria: CeGaT Center For Human Genetics Tuebingen Variant Classification Criteria Version 2. Collection method: clinical testing. Allele origin: germline. Affected: yes. Observed: 1 variant allele. Not counted in ClinVar's aggregate classification.

Counsyl
Classification: Likely pathogenic for Autosomal recessive limb-girdle muscular dystrophy type 2B. Last evaluated: 2017-06-22. Review status: no assertion criteria provided. Collection method: clinical testing. Allele origin: unknown. Not counted in ClinVar's aggregate classification.

Literature cited by the submitters: PubMed 17698709 (cited by Labcorp Genetics (formerly Invitae), Labcorp); PubMed 20301480 (cited by Labcorp Genetics (formerly Invitae), Labcorp); PubMed 33610434 (cited by Labcorp Genetics (formerly Invitae), Labcorp); PubMed 27602406 (cited by Counsyl).